The following is an entry in ClinVar:

NM_001376.5(DYNC1H1):c.2829A>G (p.Pro943=)

Gene: DYNC1H1 (dynein cytoplasmic 1 heavy chain 1; plus strand). Cytogenetic location: 14q32.31.
Variant type: single nucleotide variant.
Coding change: c.2829A>G on transcript NM_001376.5 (MANE Select); coding-DNA position 2829, A replaced by G.
Protein change: p.Pro943=; no amino-acid change (proline 943 retained).
Molecular consequence: synonymous variant.
Genome position (GRCh38, 1-based): chr14:101,988,813, A>G. VCF-style: chr14-101988813-A-G. GRCh37 (hg19) VCF-style: chr14-102455150-A-G.
Identifiers: ClinVar variation 514853 (VCV000514853.9), dbSNP rs757594867, ClinGen allele CA7351888.

ClinVar aggregate classification (germline): Likely benign. Review status: criteria provided, multiple submitters, no conflicts (2 of 4 stars). 2 submissions from 2 submitters: Likely benign (2). Last evaluated 2024-08-03.

Conditions:
Charcot-Marie-Tooth disease axonal type 2O. Also called: CHARCOT-MARIE-TOOTH NEUROPATHY, AXONAL, TYPE 2O; CHARCOT-MARIE-TOOTH DISEASE, AXONAL, AUTOSOMAL DOMINANT, TYPE 2O; Charcot-Marie-Tooth Neuropathy Type 2O; Charcot-Marie-Tooth disease, axonal, type 20. Identifiers: Orphanet 284232, MedGen C3280220, MONDO:0013644, OMIM 614228.

Allele frequency attached by ClinVar (database versions not stated): ExAC 0.00001; gnomAD exomes 0.00001 and below 0.00001.
gnomAD v4.1: 20 of 1,614,268 alleles (0.0012%); highest among the groups gnomAD compares: Non-Finnish European, 0.0015%; no homozygotes.

Submissions (2):

Labcorp Genetics (formerly Invitae), Labcorp
Classification: Likely benign for Charcot-Marie-Tooth disease axonal type 2O. Last evaluated: 2024-08-03. Review status: criteria provided, single submitter. Criteria: Invitae Variant Classification Sherloc (09022015). Collection method: clinical testing. Allele origin: germline.

GeneDx
Classification: Likely benign. Last evaluated: 2018-01-18. Review status: criteria provided, single submitter. Criteria: GeneDx Variant Classification (06012015). Collection method: clinical testing. Allele origin: germline. Affected: yes.
Comment: This variant is considered likely benign or benign based on one or more of the following criteria: it is a conservative change, it occurs at a poorly conserved position in the protein, it is predicted to be benign by multiple in silico algorithms, and/or has population frequency not consistent with disease.